The following is an entry in ClinVar:

ClinVar aggregate classification (germline): Uncertain significance (1 of 4 stars; one submission).

Conditions:
Hereditary cancer-predisposing syndrome. Also called: Neoplastic Syndromes, Hereditary; Tumor predisposition; Hereditary Cancer Syndrome; Hereditary neoplastic syndrome. Identifiers: Orphanet 140162, MedGen C0027672, MeSH D009386, MONDO:0015356.

Submission:

Ambry Genetics
Classification: Uncertain significance for Hereditary cancer-predisposing syndrome. Last evaluated: 2025-11-08. Review status: criteria provided, single submitter. Criteria: Ambry Variant Classification Scheme 2023. Collection method: clinical testing. Allele origin: germline.
Comment: The p.E273G variant (also known as c.818A>G), located in coding exon 6 of the DICER1 gene, results from an A to G substitution at nucleotide position 818. The glutamic acid at codon 273 is replaced by glycine, an amino acid with similar properties. This amino acid position is conserved. In addition, the in silico prediction for this alteration is inconclusive. Based on the available evidence, the clinical significance of this variant remains unclear.

NM_177438.3(DICER1):c.818A>G (p.Glu273Gly)

Gene: DICER1 (dicer 1, ribonuclease III; minus strand). Cytogenetic location: 14q32.13.
Variant type: single nucleotide variant.
Coding change: c.818A>G on transcript NM_177438.3 (MANE Select); coding-DNA position 818, A replaced by G.
Protein change: p.Glu273Gly; replaces glutamic acid 273 with glycine.
Molecular consequence: missense variant. On other transcripts: 5 prime UTR variant (1), non-coding transcript variant (6).
Genome position (GRCh38, 1-based): chr14:95,126,665, T>C on the plus strand (A>G on the coding strand, the complement: DICER1 is on the minus strand). VCF-style: chr14-95126665-T-C. GRCh37 (hg19) VCF-style: chr14-95593002-T-C.
Other names: c.818A>G, p.Glu273Gly (NM_001195573.1, NM_001271282.3, NM_001291628.2 and 14 more transcripts); c.536A>G, p.Glu179Gly (NM_001395686.1); c.413A>G, p.Glu138Gly (NM_001395687.1, NM_001395688.1, NM_001395689.1 and 3 more transcripts); c.251A>G, p.Glu84Gly (NM_001395691.1); c.-751A>G (NM_001395697.1); short protein forms E84G, E179G, E273G, E138G.
Identifiers: ClinVar variation 4637521 (VCV004637521.1).